The following is an entry in ClinVar:

ClinVar aggregate classification (germline): Uncertain significance (1 of 4 stars; one submission).

Conditions:
Aicardi-Goutieres syndrome 7 (AGS7). Identifiers: Orphanet 51, MedGen C3888244, MONDO:0014367, OMIM 615846.

Submission:

New York Genome Center
Classification: Uncertain significance for Aicardi-Goutieres syndrome 7. Last evaluated: 2020-06-25. Review status: criteria provided, single submitter. Criteria: NYGC Assertion Criteria 2020. Collection method: clinical testing. Allele origin: inherited. Observed: 1 heterozygote. Study: CSER-NYCKidSeq.
Comment: The inherited heterozygous deletion/insertion spanning 211 nucleotides within exon 1 (of 16) alters the wild-type translational reading frame (p.Phe18Profs*10) and is predicted to cause loss of normal protein function either through protein truncation or nonsense-mediated mRNA decay. Loss-of-function is not an established mechanism of disease for IFIH1. Gain-of-function has been shown as the likely mechanism of disease for the IFIH1gene [PMID: 24686847]. The frameshift variant identified in this individual is absent from the gnomAD database and has not been reported in affected individuals to the best of our knowledge. Interferon activity is often abnormal in individuals with pathogenic IFIH1variants [PMID: 24686847; PMID: 31130681], and assessment of these laboratory parameters may be useful in further delineating the pathogenicity of this variant. Given the lack of compelling information regarding the pathogenicity of the frameshift variant identified in the IFIH1 gene, it is reported here as a Variant of Uncertain Significance.

NM_022168.4(IFIH1):c.52_262delinsCCTCTG (p.Phe18fs)

Gene: IFIH1 (interferon induced with helicase C domain 1; minus strand). Cytogenetic location: 2q24.2.
Variant type: Indel.
Coding change: c.52_262delinsCCTCTG on transcript NM_022168.4 (MANE Select); coding-DNA positions 52 to 262, the reference bases replaced by CCTCTG.
Protein change: p.Phe18fs; shifts the reading frame from phenylalanine 18.
Molecular consequence: frameshift variant.
Genome position (GRCh38, 1-based): chr2:162,318,046-162,318,256, 211 bases replaced. GRCh37 (hg19): chr2:163,174,556-163,174,766.
Other names: short protein forms F18fs.
Identifiers: ClinVar variation 1341938 (VCV001341938.1), dbSNP rs2105238244, ClinGen allele CA2573051686.